The following is an entry in ClinVar:

NM_001035.3(RYR2):c.2253T>G (p.Thr751=)

Gene: RYR2 (ryanodine receptor 2; plus strand). Cytogenetic location: 1q43.
Variant type: single nucleotide variant.
Coding change: c.2253T>G on transcript NM_001035.3 (MANE Select); coding-DNA position 2253, T replaced by G.
Protein change: p.Thr751=; no amino-acid change (threonine 751 retained).
Molecular consequence: synonymous variant.
Genome position (GRCh38, 1-based): chr1:237,500,760, T>G. VCF-style: chr1-237500760-T-G. GRCh37 (hg19) VCF-style: chr1-237664060-T-G.
Other names: p.T751T:ACT>ACG; c.2253T>G, p.Thr751= (LRG_402t1).
Identifiers: ClinVar variation 201162 (VCV000201162.24), dbSNP rs762905211, ClinGen allele CA008732.

ClinVar aggregate classification (germline): Conflicting classifications of pathogenicity. Review status: criteria provided, conflicting classifications (1 of 4 stars). 8 submissions from 7 submitters: Uncertain significance (1); Benign (4); Likely benign (3). Last evaluated 2025-12-02.

Conditions:
Cardiovascular phenotype. Identifiers: MedGen CN230736.
Catecholaminergic polymorphic ventricular tachycardia (CVPT). Also called: Catecholamine-induced polymorphic ventricular tachycardia. Identifiers: Orphanet 3286, MedGen C5574922, MONDO:0017990.
Cardiomyopathy (CMYO). Also called: Cardiomyopathies. Identifiers: Orphanet 167848, MedGen C0878544, MONDO:0004994, HP:0001638. Inheritance: Various modes of inheritance.
Catecholaminergic polymorphic ventricular tachycardia 1. Also called: RYR2-Related Catecholaminergic Polymorphic Ventricular Tachycardia; VENTRICULAR TACHYCARDIA, CATECHOLAMINERGIC POLYMORPHIC, 1, WITH OR WITHOUT ATRIAL DYSFUNCTION AND/OR DILATED CARDIOMYOPATHY; VENTRICULAR TACHYCARDIA, STRESS-INDUCED POLYMORPHIC 1. Identifiers: Orphanet 3286, MedGen C1631597, MONDO:0011484, OMIM 604772.
Arrhythmogenic right ventricular dysplasia 2. Identifiers: MedGen C1832931.

Allele frequency attached by ClinVar (database versions not stated): gnomAD 0.00001; TOPMed 0.00001; gnomAD exomes 0.00013; ExAC 0.00015.
gnomAD v4.1: 97 of 1,613,872 alleles (0.006%); highest among the groups gnomAD compares: South Asian, 0.069%; no homozygotes.

Submissions (8):

Labcorp Genetics (formerly Invitae), Labcorp
Classification: Benign for Catecholaminergic polymorphic ventricular tachycardia 1. Last evaluated: 2025-12-02. Review status: criteria provided, single submitter. Criteria: Invitae Variant Classification Sherloc (09022015). Collection method: clinical testing. Allele origin: germline.

Women's Health and Genetics/Laboratory Corporation of America, LabCorp
Classification: Benign. Last evaluated: 2025-04-29. Review status: criteria provided, single submitter. Criteria: LabCorp Variant Classification Summary - May 2015. Collection method: clinical testing. Allele origin: germline.

All of Us Research Program, National Institutes of Health
Classification: Likely benign for Catecholaminergic polymorphic ventricular tachycardia. Last evaluated: 2023-12-11. Review status: criteria provided, single submitter. Criteria: ACMG Guidelines, 2015. Collection method: clinical testing. Allele origin: germline. Inheritance: Autosomal dominant inheritance. Observed: 13 variant alleles, 13 heterozygotes.
Comment: This study involves interpretation of variants in research participants for the purpose of population health screening. Participant phenotype was not available at the time of variant classification. Additional details can be found in publication PMID: 35346344, PMCID: PMC8962531

Ambry Genetics
Classification: Likely benign for Cardiovascular phenotype. Last evaluated: 2020-07-07. Review status: criteria provided, single submitter. Criteria: Ambry Variant Classification Scheme 2023. Collection method: clinical testing. Allele origin: germline.

Color Diagnostics, LLC DBA Color Health
Classification: Likely benign for Cardiomyopathy. Last evaluated: 2019-05-14. Review status: criteria provided, single submitter. Criteria: ACMG Guidelines, 2015. Collection method: clinical testing. Allele origin: germline.

Illumina Laboratory Services, Illumina
Classification: Uncertain significance for Catecholaminergic polymorphic ventricular tachycardia 1. Last evaluated: 2018-03-16. Review status: criteria provided, single submitter. Criteria: ICSL Variant Classification Criteria 13 December 2019. Collection method: clinical testing. Allele origin: germline.

Illumina Laboratory Services, Illumina
Classification: Benign for Catecholaminergic polymorphic ventricular tachycardia 1. Last evaluated: 2018-03-14. Review status: criteria provided, single submitter. Criteria: ICSL Variant Classification Criteria 13 December 2019. Collection method: clinical testing. Allele origin: germline.
Comment: This variant was observed in the ICSL laboratory as part of a predisposition screen in an ostensibly healthy population. It had not been previously curated by ICSL or reported in the Human Gene Mutation Database (HGMD: prior to June 1st, 2018), and was therefore a candidate for classification through an automated scoring system. Utilizing variant allele frequency, disease prevalence and penetrance estimates, and inheritance mode, an automated score was calculated to assess if this variant is too frequent to cause the disease. Based on the score and internal cut-off values, a variant classified as benign is not then subjected to further curation. The score for this variant resulted in a classification of benign for this disease.

GeneDx
Classification: Benign. Last evaluated: 2014-10-24. Review status: criteria provided, single submitter. Criteria: GeneDx Variant Classification (06012015). Collection method: clinical testing. Allele origin: germline. Affected: yes.
Comment: This variant is considered likely benign or benign based on one or more of the following criteria: it is a conservative change, it occurs at a poorly conserved position in the protein, it is predicted to be benign by multiple in silico algorithms, and/or has population frequency not consistent with disease.